The following is an entry in ClinVar:

ClinVar aggregate classification (germline): Uncertain significance (1 of 4 stars; one submission).

Conditions:
Amyotrophic lateral sclerosis (ALS). Also called: Charcot disease; Lou Gehrig disease. Identifiers: Orphanet 803, MedGen C0002736, MONDO:0004976, HP:0007354.

Allele frequency attached by ClinVar (database versions not stated): gnomAD exomes 0.00004 and 0.00006; ExAC 0.00005; gnomAD 0.00006 and 0.00007; TOPMed 0.00008; ESP Exome Variant Server 0.00016.
gnomAD v4.1: 101 of 1,613,318 alleles (0.0063%); highest among the groups gnomAD compares: African/African-American, 0.008%; no homozygotes.

Submission:

UM ALS/MND Lab, University Of Malta
Classification: Uncertain significance for Amyotrophic lateral sclerosis. Last evaluated: 2020-09-09. Review status: criteria provided, single submitter. Criteria: ACMG Guidelines, 2015. Collection method: case-control. Allele origin: unknown. Affected: yes. Observed: 1 variant allele.
Comment: Single heterozygote

NM_003315.4(DNAJC7):c.170T>C (p.Met57Thr)

Gene: DNAJC7 (DnaJ heat shock protein family (Hsp40) member C7; minus strand). Cytogenetic location: 17q21.2.
Variant type: single nucleotide variant.
Coding change: c.170T>C on transcript NM_003315.4 (MANE Select); coding-DNA position 170, T replaced by C.
Protein change: p.Met57Thr; replaces methionine 57 with threonine.
Molecular consequence: missense variant. On other transcripts: initiator codon variant (1), non-coding transcript variant (1).
Genome position (GRCh38, 1-based): chr17:41,997,236, A>G on the plus strand (T>C on the coding strand, the complement: DNAJC7 is on the minus strand). VCF-style: chr17-41997236-A-G. GRCh37 (hg19) VCF-style: chr17-40149254-A-G.
Other names: c.2T>C, p.Met1Thr (NM_001144766.3); short protein forms M1T, M57T.
Identifiers: ClinVar variation 981019 (VCV000981019.4), dbSNP rs371236469, ClinGen allele CA8570026.